The following is an entry in ClinVar:

NM_001034853.2(RPGR):c.92G>A (p.Trp31Ter)

Gene: RPGR (retinitis pigmentosa GTPase regulator; minus strand). Cytogenetic location: Xp11.4.
Variant type: single nucleotide variant.
Coding change: c.92G>A on transcript NM_001034853.2 (MANE Select); coding-DNA position 92, G replaced by A.
Protein change: p.Trp31Ter; replaces tryptophan 31 with a stop codon.
Molecular consequence: nonsense. On other transcripts: non-coding transcript variant (6).
Genome position (GRCh38, 1-based): chrX:38,323,461, C>T on the plus strand (G>A on the coding strand, the complement: RPGR is on the minus strand). VCF-style: chrX-38323461-C-T. GRCh37 (hg19) VCF-style: chrX-38182714-C-T.
Other names: c.92G>A, p.Trp31Ter (NM_000328.3, NM_001367245.1, NM_001367246.1 and 4 more transcripts); c.122G>A, p.Trp41Ter (NM_001367248.1); short protein forms W31*, W41*.
Identifiers: ClinVar variation 5007555 (VCV005007555.2).

ClinVar aggregate classification (germline): Pathogenic (1 of 4 stars; one submission).

Conditions:
Macular degeneration, X-linked atrophic. Identifiers: Orphanet 1872, MedGen C3151784, MONDO:0010443, OMIM 300834.
Retinitis pigmentosa 3. Also called: CHOROIDORETINAL DEGENERATION WITH RETINAL REFLEX IN HETEROZYGOUS WOMEN. Identifiers: Orphanet 791, MedGen C1845667, MONDO:0010227, OMIM 300029.
Retinitis pigmentosa, X-linked, and sinorespiratory infections, with or without deafness (RPSRDF). Identifiers: Orphanet 247522, MedGen C2749137, OMIM 300455.
X-linked cone-rod dystrophy 1 (CORDX1). Identifiers: Orphanet 1872, MedGen C1844776, MONDO:0010566, OMIM 304020.

Submission:

Juno Genomics, Hangzhou Juno Genomics, Inc
Classification: Pathogenic for X-linked cone-rod dystrophy 1; Macular degeneration, X-linked atrophic; Retinitis pigmentosa 3; Retinitis pigmentosa, X-linked, and sinorespiratory infections, with or without deafness. Review status: criteria provided, single submitter. Criteria: ACMG Guidelines, 2015. Collection method: clinical testing. Allele origin: germline.
Comment: Absent from controls (or at extremely low frequency if recessive) in Genome Aggregation Database.;Null variant in a gene where loss of function (LOF) is a known mechanism of disease.;The prevalence of the variant in affected individuals is significantly increased compared to the prevalence in controls.